The following is an entry in ClinVar:

NC_000023.10:g.(32328394_32360216)_(32360400_32361250)del

Gene: DMD (dystrophin; minus strand). Cytogenetic location: Xp21.1.
Variant type: Deletion.
Identifiers: ClinVar variation 3251794 (VCV003251794.1).

ClinVar aggregate classification (germline): Uncertain significance (1 of 4 stars; one submission).

Submission:

Women's Health and Genetics/Laboratory Corporation of America, LabCorp
Classification: Uncertain significance. Last evaluated: 2024-04-22. Review status: criteria provided, single submitter. Criteria: LabCorp Variant Classification Summary - May 2015. Collection method: clinical testing. Allele origin: germline.
Comment: Variant summary: The variant involves the deletion of exon 41 in the DMD gene. A presumed nomenclature of c.(5739+1_5740-1)_(5922+1_5923-1)del has been designated for the purposes of this classification. This Copy Number Variant (CNV) is predicted to result in an in-frame deletion within this gene. The variant was absent in 16116 control chromosomes in the gnomAD database (Structural Variants v2.1 dataset). To our knowledge, no occurrence of c.(5739+1_5740-1)_(5922+1_5923-1)del in individuals affected with Dystrophinopathies and no experimental evidence demonstrating its impact on protein function have been reported. No submitters have cited clinical-significance assessments for this variant to ClinVar. Based on the evidence outlined above, the variant was classified as uncertain significance.